The following is an entry in ClinVar:

ClinVar aggregate classification (germline): Uncertain significance (1 of 4 stars; one submission).

Conditions:
Short-rib thoracic dysplasia 6 with or without polydactyly (SRTD6). Also called: POLYDACTYLY WITH NEONATAL CHONDRODYSTROPHY, TYPE II; SHORT-RIB THORACIC DYSPLASIA 6 WITH POLYDACTYLY; SHORT-RIB THORACIC DYSPLASIA 6 WITHOUT POLYDACTYLY; Majewski Syndrome; SHORT RIB-POLYDACTYLY SYNDROME, TYPE IIA. Identifiers: MedGen C0024507, MONDO:0009894, OMIM 263520.

Submission:

Labcorp Genetics (formerly Invitae), Labcorp
Classification: Uncertain significance for Short-rib thoracic dysplasia 6 with or without polydactyly. Last evaluated: 2024-05-09. Review status: criteria provided, single submitter. Criteria: Invitae Variant Classification Sherloc (09022015). Collection method: clinical testing. Allele origin: germline.
Comment: This variant, c.1380_1385dup, results in the insertion of 2 amino acid(s) of the NEK1 protein (p.Asp460_Asn461dup), but otherwise preserves the integrity of the reading frame. This variant is present in population databases (rs753380166, gnomAD 0.01%). This variant has not been reported in the literature in individuals affected with NEK1-related conditions. In summary, the available evidence is currently insufficient to determine the role of this variant in disease. Therefore, it has been classified as a Variant of Uncertain Significance.

NM_001199397.3(NEK1):c.1380_1385dup (p.Asn461_Glu462insAspAsn)

Gene: NEK1 (NIMA related kinase 1; minus strand). Cytogenetic location: 4q33.
Variant type: Duplication.
Coding change: c.1380_1385dup on transcript NM_001199397.3 (MANE Select); coding-DNA positions 1380 to 1385, 6 bases duplicated (TAATGA; older notation c.1380_1385dupTAATGA).
Protein change: p.Asn461_Glu462insAspAsn.
Molecular consequence: non-coding transcript variant (on NR_164630.1).
Genome position (GRCh38, 1-based): chr4:169,555,977-169,555,982, TCATTA duplicated on the plus strand (TAATGA on the coding strand, the reverse complement: NEK1 is on the minus strand); duplicating any 6 consecutive bases within chr4:169,555,977-169,555,984 gives the same sequence; the c. name uses the placement nearest the transcript's 3' end. VCF-style (leftmost placement, unchanged base first): chr4-169555976-T-TTCATTA. GRCh37 (hg19) VCF-style: chr4-170477127-T-TTCATTA.
Other names: c.1380_1385dup, p.Asn461_Glu462insAspAsn (NM_001199398.3, NM_001199400.3, NM_001374418.1 and 2 more transcripts); c.1305_1310dup, p.Asn436_Glu437insAspAsn (NM_001199399.3); c.1329_1334dup, p.Asn444_Glu445insAspAsn (NM_001374420.1); c.1254_1259dup, p.Asn419_Glu420insAspAsn (NM_001374421.1).
Identifiers: ClinVar variation 3680891 (VCV003680891.2).